The following is an entry in ClinVar:

NM_000061.3(BTK):c.1885A>G (p.Ile629Val)

Gene: BTK (Bruton tyrosine kinase; minus strand). Cytogenetic location: Xq22.1.
Variant type: single nucleotide variant.
Coding change: c.1885A>G on transcript NM_000061.3 (MANE Select); coding-DNA position 1885, A replaced by G.
Protein change: p.Ile629Val; replaces isoleucine 629 with valine.
Molecular consequence: missense variant.
Genome position (GRCh38, 1-based): chrX:101,353,217, T>C on the plus strand (A>G on the coding strand, the complement: BTK is on the minus strand). VCF-style: chrX-101353217-T-C. GRCh37 (hg19) VCF-style: chrX-100608205-T-C.
Other names: c.1987A>G, p.Ile663Val (NM_001287344.2); c.1357A>G, p.Ile453Val (NM_001287345.2); short protein forms I663V, I453V, I629V.
Identifiers: ClinVar variation 4704117 (VCV004704117.1).
Genomic context (GRCh38, chrX:101,353,217, plus strand): 5'-AAGGAAATAATTTAAGAGATCCTAATAAAGCACTTACCTCATGCCAGCAACTGTACATGA[T>C]GGTATATACCTTCTCTGAAGCCAGATGAGGCCTGTAGAGACGTAGGCCTTGGGCAATGTG-3'
Protein context (NP_000052.1, residues 619-639): PHLASEKVYT[Ile629Val]MYSCWHEKAD

ClinVar aggregate classification (germline): Uncertain significance (1 of 4 stars; one submission).

Conditions:
X-linked agammaglobulinemia with growth hormone deficiency (IGHD3). Also called: AGAMMAGLOBULINEMIA AND ISOLATED GROWTH HORMONE DEFICIENCY, X-LINKED; FLEISHER SYNDROME; HYPOGAMMAGLOBULINEMIA AND ISOLATED GROWTH HORMONE DEFICIENCY, X-LINKED; IGHD III; ISOLATED GROWTH HORMONE DEFICIENCY, TYPE III, WITH AGAMMAGLOBULINEMIA; Isolated growth hormone deficiency type 3. Identifiers: Orphanet 231692, Orphanet 631, MedGen C0472813, MONDO:0010615, OMIM 307200.

gnomAD v4.1: 1 of 1,210,965 alleles (0.000083%); no homozygotes.

Submission:

Labcorp Genetics (formerly Invitae), Labcorp
Classification: Uncertain significance for X-linked agammaglobulinemia with growth hormone deficiency. Last evaluated: 2025-12-09. Review status: criteria provided, single submitter. Criteria: Invitae Variant Classification Sherloc (09022015). Collection method: clinical testing. Allele origin: germline.
Comment: This sequence change replaces isoleucine, which is neutral and non-polar, with valine, which is neutral and non-polar, at codon 629 of the BTK protein (p.Ile629Val). This variant is present in population databases (no rsID available, gnomAD 0.006%). This variant has not been reported in the literature in individuals affected with BTK-related conditions. Invitae Evidence Modeling of protein sequence and biophysical properties (such as structural, functional, and spatial information, amino acid conservation, physicochemical variation, residue mobility, and thermodynamic stability) indicates that this missense variant is not expected to disrupt BTK protein function with a negative predictive value of 95%. In summary, the available evidence is currently insufficient to determine the role of this variant in disease. Therefore, it has been classified as a Variant of Uncertain Significance.